The following is an entry in ClinVar:

ClinVar aggregate classification (germline): Conflicting classifications of pathogenicity. Review status: criteria provided, conflicting classifications (1 of 4 stars). 8 submissions from 8 submitters: Uncertain significance (2); Likely benign (5). 1 of the submissions does not count toward it. Last evaluated 2026-06-01.

Conditions:
CEP290-related ciliopathies.
Nephronophthisis. Also called: Juvenile Nephronophthisis. Identifiers: Orphanet 655, MedGen C0687120, MONDO:0019005, HP:0000090.
Meckel-Gruber syndrome. Also called: DYSENCEPHALIA SPLANCHNOCYSTICA; GRUBER SYNDROME; Dysencephalia splachnocystica. Identifiers: Orphanet 564, MedGen C0265215, MONDO:0018921.
Joubert syndrome. Also called: Familial aplasia of the vermis; JOUBERT-BOLTSHAUSER SYNDROME. Identifiers: Orphanet 475, MedGen C5979921, MONDO:0018772.
Inborn genetic diseases. Identifiers: MedGen C0950123, MeSH D030342.
Retinal dystrophy. Also called: Inherited retinal dystrophy. Identifiers: Orphanet 71862, MedGen C0854723, MeSH D058499, MONDO:0019118, HP:0000556.

Allele frequency attached by ClinVar (database versions not stated): 1000 Genomes Project 30x 0.00016; 1000 Genomes Project 0.00020; gnomAD exomes 0.00028 and 0.00029; TOPMed 0.00030; gnomAD 0.00034 and 0.00037; ExAC 0.00038.
gnomAD v4.1: 429 of 1,480,450 alleles (0.029%); highest among the groups gnomAD compares: Non-Finnish European, 0.034%; 1 homozygote.

Submissions (8):

CeGaT Center for Human Genetics Tuebingen
Classification: Likely benign. Last evaluated: 2026-06-01. Review status: criteria provided, single submitter. Criteria: CeGaT Center For Human Genetics Tuebingen Variant Classification Criteria Version 2. Collection method: clinical testing. Allele origin: germline. Affected: yes. Observed: 6 variant alleles.
Comment: CEP290: BP4

Ambry Genetics
Classification: Likely benign for Inborn genetic diseases. Last evaluated: 2026-05-08. Review status: criteria provided, single submitter. Criteria: Ambry Variant Classification Scheme 2023. Collection method: clinical testing. Allele origin: germline.

Labcorp Genetics (formerly Invitae), Labcorp
Classification: Likely benign for Joubert syndrome; Meckel-Gruber syndrome; Nephronophthisis. Last evaluated: 2026-01-14. Review status: criteria provided, single submitter. Criteria: Invitae Variant Classification Sherloc (09022015). Collection method: clinical testing. Allele origin: germline.

Blueprint Genetics
Classification: Likely benign. Last evaluated: 2024-11-27. Review status: criteria provided, single submitter. Criteria: ACMG Guidelines, 2015. Collection method: clinical testing. Allele origin: germline.

GeneDx
Classification: Likely benign. Last evaluated: 2021-04-05. Review status: criteria provided, single submitter. Criteria: GeneDx Variant Classification Process June 2021. Collection method: clinical testing. Allele origin: germline. Affected: yes.

Eurofins Ntd Llc (ga)
Classification: Uncertain significance. Last evaluated: 2017-02-06. Review status: criteria provided, single submitter. Criteria: EGL Classification Definitions 2015. Collection method: clinical testing. Allele origin: germline. Observed: 2 variant alleles, 2 heterozygotes.

Genomic Diagnostic Laboratory, Division of Genomic Diagnostics, Children's Hospital of Philadelphia
Classification: Uncertain significance. Last evaluated: 2015-11-16. Review status: criteria provided, single submitter. Criteria: DGD Variant Analysis Guidelines. Collection method: clinical testing. Allele origin: unknown.

Institute of Human Genetics, Univ. Regensburg, Univ. Regensburg
Classification: Uncertain significance for Retinal dystrophy. Last evaluated: 2023-01-01. Review status: no assertion criteria provided. Criteria: ACMG Guidelines, 2015. Collection method: clinical testing. Allele origin: germline. Affected: yes. Not counted in ClinVar's aggregate classification.

NM_025114.4(CEP290):c.943-4C>T

Gene: CEP290 (centrosomal protein 290; minus strand). Cytogenetic location: 12q21.32.
Variant type: single nucleotide variant.
Coding change: c.943-4C>T on transcript NM_025114.4 (MANE Select); 4 bases into the intron before coding-DNA position 943, C replaced by T.
Molecular consequence: intron variant.
Genome position (GRCh38, 1-based): chr12:88,126,442, G>A on the plus strand (C>T on the coding strand, the complement: CEP290 is on the minus strand). VCF-style: chr12-88126442-G-A. GRCh37 (hg19) VCF-style: chr12-88520219-G-A.
Identifiers: ClinVar variation 252747 (VCV000252747.61), dbSNP rs199770158, ClinGen allele CA6712651.